The following is an entry in ClinVar:

NM_001395159.1(UNC79):c.3994C>T (p.Arg1332Ter)

Gene: UNC79 (unc-79 subunit of NALCN channel complex; plus strand). Cytogenetic location: 14q32.12.
Variant type: single nucleotide variant.
Coding change: c.3994C>T on transcript NM_001395159.1 (MANE Select); coding-DNA position 3994, C replaced by T.
Protein change: p.Arg1332Ter; replaces arginine 1332 with a stop codon.
Molecular consequence: nonsense.
Genome position (GRCh38, 1-based): chr14:93,612,970, C>T. VCF-style: chr14-93612970-C-T. GRCh37 (hg19) VCF-style: chr14-94079316-C-T.
Other names: c.3928C>T, p.Arg1310Ter (NM_001346218.2); c.3397C>T, p.Arg1133Ter (NM_020818.5); short protein forms R1133*, R1310*, R1332*.
Identifiers: ClinVar variation 3364901 (VCV003364901.4).
Genomic context (GRCh38, chr14:93,612,970, plus strand): 5'-AAGGATGAAAGCAGCGCTGAGTCAGACATCAGCAGTGCAAAGGCCTTCAACACGGTCAAG[C>T]GACACCTGTACGTCTTACTCGGCTATGACCAGCAGGAAGGTTGCTTCATGATTGCACCTC-3'

ClinVar aggregate classification (germline): Conflicting classifications of pathogenicity. Review status: criteria provided, conflicting classifications (1 of 4 stars). 3 submissions from 3 submitters: Pathogenic (1); Likely pathogenic (1); Uncertain significance (1). Last evaluated 2025-11-10.

Conditions:
UNC79-related disorder. Also called: UNC79-related condition.

Submissions (3):

3billion
Classification: Uncertain significance for UNC79-related disorder. Last evaluated: 2025-11-10. Review status: criteria provided, single submitter. Criteria: ACMG Guidelines, 2015. Collection method: clinical testing. Allele origin: germline. Affected: yes.
Comment: The variant is not observed in the gnomAD v4.1.0 dataset. Predicted Consequence/Location: Stop-gained (nonsense): predicted to result in a loss or disruption of normal protein function through nonsense-mediated decay (NMD) or protein truncation. Multiple pathogenic variants are reported downstream of the variant. The variant has been reported as of uncertain significance (ClinVar ID: VCV003364901). Therefore, this variant is classified as VUS according to the recommendation of ACMG/AMP guideline.

Labcorp Genetics (formerly Invitae), Labcorp
Classification: Pathogenic. Last evaluated: 2025-05-19. Review status: criteria provided, single submitter. Criteria: Invitae Variant Classification Sherloc (09022015). Collection method: clinical testing. Allele origin: germline.
Comment: This sequence change creates a premature translational stop signal (p.Arg1133*) in the UNC79 gene. It is expected to result in an absent or disrupted protein product. Loss-of-function variants in UNC79 are known to be pathogenic (PMID: 28867142, 37183800). This variant is not present in population databases (gnomAD no frequency). This variant has not been reported in the literature in individuals affected with UNC79-related conditions. ClinVar contains an entry for this variant (Variation ID: 3364901). For these reasons, this variant has been classified as Pathogenic.

GeneDx
Classification: Likely pathogenic. Last evaluated: 2025-04-14. Review status: criteria provided, single submitter. Criteria: GeneDx Variant Classification Process June 2021. Collection method: clinical testing. Allele origin: germline.
Comment: Nonsense variant predicted to result in protein truncation or nonsense mediated decay in a gene for which loss of function is a known mechanism of disease; Not observed at significant frequency in large population cohorts (gnomAD); Has not been previously published as pathogenic or benign to our knowledge

Literature cited by the submitters: PubMed 28867142 (cited by Labcorp Genetics (formerly Invitae), Labcorp); PubMed 37183800 (cited by Labcorp Genetics (formerly Invitae), Labcorp).